The following is an entry in ClinVar:

NM_020247.5(COQ8A):c.1317C>T (p.Ser439=)

Gene: COQ8A (coenzyme Q8A; plus strand). Cytogenetic location: 1q42.13.
Variant type: single nucleotide variant.
Coding change: c.1317C>T on transcript NM_020247.5 (MANE Select); coding-DNA position 1317, C replaced by T.
Protein change: p.Ser439=; no amino-acid change (serine 439 retained).
Molecular consequence: synonymous variant.
Genome position (GRCh38, 1-based): chr1:226,984,154, C>T. VCF-style: chr1-226984154-C-T. GRCh37 (hg19) VCF-style: chr1-227171855-C-T.
Identifiers: ClinVar variation 507430 (VCV000507430.1), dbSNP rs1553280571, ClinGen allele CA423527943.

ClinVar aggregate classification (germline): Likely benign (1 of 4 stars; one submission).

gnomAD v4.1: 1 of 1,613,914 alleles (0.000062%); no homozygotes.

Submission:

GeneDx
Classification: Likely benign. Last evaluated: 2017-03-03. Review status: criteria provided, single submitter. Criteria: GeneDx Variant Classification (06012015). Collection method: clinical testing. Allele origin: germline. Affected: yes.
Comment: This variant is considered likely benign or benign based on one or more of the following criteria: it is a conservative change, it occurs at a poorly conserved position in the protein, it is predicted to be benign by multiple in silico algorithms, and/or has population frequency not consistent with disease.